The following is an entry in ClinVar:

ClinVar aggregate classification (germline): Uncertain significance (1 of 4 stars; one submission).

Allele frequency attached by ClinVar (database versions not stated): ExAC 0.00001.
gnomAD v4.1: 3 of 1,601,616 alleles (0.00019%); highest among the groups gnomAD compares: Admixed American, 0.0034%; no homozygotes.

Submission:

Labcorp Genetics (formerly Invitae), Labcorp
Classification: Uncertain significance. Last evaluated: 2023-06-18. Review status: criteria provided, single submitter. Criteria: Invitae Variant Classification Sherloc (09022015). Collection method: clinical testing. Allele origin: germline.
Comment: This sequence change replaces glycine, which is neutral and non-polar, with aspartic acid, which is acidic and polar, at codon 339 of the GRIN2D protein (p.Gly339Asp). In summary, the available evidence is currently insufficient to determine the role of this variant in disease. Therefore, it has been classified as a Variant of Uncertain Significance. Advanced modeling of protein sequence and biophysical properties (such as structural, functional, and spatial information, amino acid conservation, physicochemical variation, residue mobility, and thermodynamic stability) performed at Invitae indicates that this missense variant is not expected to disrupt GRIN2D protein function. This variant has not been reported in the literature in individuals affected with GRIN2D-related conditions. The frequency data for this variant in the population databases is considered unreliable, as metrics indicate poor data quality at this position in the gnomAD database.

NM_000836.4(GRIN2D):c.1016G>A (p.Gly339Asp)

Gene: GRIN2D (glutamate ionotropic receptor NMDA type subunit 2D; plus strand). Cytogenetic location: 19q13.33.
Variant type: single nucleotide variant.
Coding change: c.1016G>A on transcript NM_000836.4 (MANE Select); coding-DNA position 1016, G replaced by A.
Protein change: p.Gly339Asp; replaces glycine 339 with aspartic acid.
Molecular consequence: missense variant.
Genome position (GRCh38, 1-based): chr19:48,405,284, G>A. VCF-style: chr19-48405284-G-A. GRCh37 (hg19) VCF-style: chr19-48908541-G-A.
Other names: short protein forms G339D.
Identifiers: ClinVar variation 2819074 (VCV002819074.3), dbSNP rs762905935, ClinGen allele CA9550439.